The following is an entry in ClinVar:

ClinVar aggregate classification (germline): Benign/Likely benign. Review status: criteria provided, multiple submitters, no conflicts (2 of 4 stars). 6 submissions from 6 submitters: Benign (2); Likely benign (4). Last evaluated 2026-04-01.

Conditions:
EEM syndrome (EEMS). Identifiers: Orphanet 1897, MedGen C1857041, MONDO:0009155, OMIM 225280.

Allele frequency attached by ClinVar (database versions not stated): 1000 Genomes Project 0.00160; 1000 Genomes Project 30x 0.00172; ExAC 0.00209; gnomAD exomes 0.00225 and 0.00349; gnomAD 0.00235 and 0.00241; TOPMed 0.00295; ESP Exome Variant Server 0.00362.
gnomAD v4.1: 5,459 of 1,614,124 alleles (0.34%); highest among the groups gnomAD compares: Non-Finnish European, 0.41%; 11 homozygotes.

Submissions (6):

CeGaT Center for Human Genetics Tuebingen
Classification: Likely benign. Last evaluated: 2026-04-01. Review status: criteria provided, single submitter. Criteria: CeGaT Center For Human Genetics Tuebingen Variant Classification Criteria Version 2. Collection method: clinical testing. Allele origin: germline. Affected: yes. Observed: 3 variant alleles.
Comment: CDH3: BP4, BP7

Labcorp Genetics (formerly Invitae), Labcorp
Classification: Benign. Last evaluated: 2026-01-19. Review status: criteria provided, single submitter. Criteria: Invitae Variant Classification Sherloc (09022015). Collection method: clinical testing. Allele origin: germline.

Blueprint Genetics
Classification: Likely benign. Last evaluated: 2024-11-26. Review status: criteria provided, single submitter. Criteria: ACMG Guidelines, 2015. Collection method: clinical testing. Allele origin: germline.

Illumina Laboratory Services, Illumina
Classification: Likely benign for EEM syndrome. Last evaluated: 2018-01-12. Review status: criteria provided, single submitter. Criteria: ICSL Variant Classification Criteria 13 December 2019. Collection method: clinical testing. Allele origin: germline.
Comment: This variant was observed in the ICSL laboratory as part of a predisposition screen in an ostensibly healthy population. It had not been previously curated by ICSL or reported in the Human Gene Mutation Database (HGMD: prior to June 1st, 2018), and was therefore a candidate for classification through an automated scoring system. Utilizing variant allele frequency, disease prevalence and penetrance estimates, and inheritance mode, an automated score was calculated to assess if this variant is too frequent to cause the disease. Based on the score and internal cut-off values, a variant classified as likely benign is not then subjected to further curation. The score for this variant resulted in a classification of likely benign for this disease.

Eurofins Ntd Llc (ga)
Classification: Benign. Last evaluated: 2015-10-06. Review status: criteria provided, single submitter. Criteria: EGL Classification Definitions 2015. Collection method: clinical testing. Allele origin: germline. Observed: 1 variant allele, 1 heterozygote.

Breakthrough Genomics
Classification: Likely benign. Review status: criteria provided, single submitter. Criteria: ACMG Guidelines, 2015. Collection method: not provided. Allele origin: germline. Inheritance: Autosomal recessive inheritance. Affected: yes.

NM_001793.6(CDH3):c.1500C>T (p.Thr500=)

Gene: CDH3 (cadherin 3; plus strand). Cytogenetic location: 16q22.1.
Variant type: single nucleotide variant.
Coding change: c.1500C>T on transcript NM_001793.6 (MANE Select); coding-DNA position 1500, C replaced by T.
Protein change: p.Thr500=; no amino-acid change (threonine 500 retained).
Molecular consequence: synonymous variant.
Genome position (GRCh38, 1-based): chr16:68,685,280, C>T. VCF-style: chr16-68685280-C-T. GRCh37 (hg19) VCF-style: chr16-68719183-C-T.
Other names: c.1500C>T, p.Thr500= (NM_001317195.3); c.1335C>T, p.Thr445= (NM_001317196.2).
Identifiers: ClinVar variation 283577 (VCV000283577.27), dbSNP rs35232945, ClinGen allele CA8129378.